The following is an entry in ClinVar:

ClinVar aggregate classification (germline): Uncertain significance (1 of 4 stars; one submission).

Conditions:
Inborn genetic diseases. Identifiers: MedGen C0950123, MeSH D030342.

gnomAD v4.1: 2 of 1,612,920 alleles (0.00012%); highest among the groups gnomAD compares: African/African-American, 0.0013%; no homozygotes.

Submission:

Ambry Genetics
Classification: Uncertain significance for Inborn genetic diseases. Last evaluated: 2026-03-01. Review status: criteria provided, single submitter. Criteria: Ambry Variant Classification Scheme 2023. Collection method: clinical testing. Allele origin: germline.
Comment: The p.T309A variant (also known as c.925A>G), located in coding exon 7 of the BMPR2 gene, results from an A to G substitution at nucleotide position 925. The threonine at codon 309 is replaced by alanine, an amino acid with similar properties. This amino acid position is conserved. In addition, this alteration is predicted to be deleterious by in silico analysis. Based on the available evidence, the clinical significance of this variant remains unclear.

NM_001204.7(BMPR2):c.925A>G (p.Thr309Ala)

Gene: BMPR2 (bone morphogenetic protein receptor type 2; plus strand). Cytogenetic location: 2q33.2.
Variant type: single nucleotide variant.
Coding change: c.925A>G on transcript NM_001204.7 (MANE Select); coding-DNA position 925, A replaced by G.
Protein change: p.Thr309Ala; replaces threonine 309 with alanine.
Molecular consequence: missense variant.
Genome position (GRCh38, 1-based): chr2:202,520,159, A>G. VCF-style: chr2-202520159-A-G. GRCh37 (hg19) VCF-style: chr2-203384882-A-G.
Other names: short protein forms T309A.
Identifiers: ClinVar variation 4827186 (VCV004827186.1).